The following is an entry in ClinVar:

ClinVar aggregate classification (germline): Uncertain significance. Review status: criteria provided, multiple submitters, no conflicts (2 of 4 stars). 2 submissions from 2 submitters: Uncertain significance (2). Last evaluated 2025-07-08.

Allele frequency attached by ClinVar (database versions not stated): gnomAD exomes 0.00002 and 0.00008; gnomAD 0.00003; TOPMed 0.00003; ExAC 0.00005.
gnomAD v4.1: 27 of 1,555,604 alleles (0.0017%); highest among the groups gnomAD compares: Admixed American, 0.025%; no homozygotes.

Submissions (2):

Ambry Genetics
Classification: Uncertain significance. Last evaluated: 2025-07-08. Review status: criteria provided, single submitter. Criteria: Ambry Variant Classification Scheme 2023. Collection method: clinical testing. Allele origin: germline.

Labcorp Genetics (formerly Invitae), Labcorp
Classification: Uncertain significance. Last evaluated: 2025-01-08. Review status: criteria provided, single submitter. Criteria: Invitae Variant Classification Sherloc (09022015). Collection method: clinical testing. Allele origin: germline.
Comment: This sequence change replaces proline, which is neutral and non-polar, with serine, which is neutral and polar, at codon 529 of the LIG1 protein (p.Pro529Ser). This variant is present in population databases (rs762254049, gnomAD 0.03%). This variant has not been reported in the literature in individuals affected with LIG1-related conditions. ClinVar contains an entry for this variant (Variation ID: 1438180). An algorithm developed to predict the effect of missense changes on protein structure and function (PolyPhen-2) suggests that this variant¬†is likely to be tolerated. In summary, the available evidence is currently insufficient to determine the role of this variant in disease. Therefore, it has been classified as a Variant of Uncertain Significance.

NM_000234.3(LIG1):c.1585C>T (p.Pro529Ser)

Gene: LIG1 (DNA ligase 1; minus strand). Cytogenetic location: 19q13.33.
Variant type: single nucleotide variant.
Coding change: c.1585C>T on transcript NM_000234.3 (MANE Select); coding-DNA position 1585, C replaced by T.
Protein change: p.Pro529Ser; replaces proline 529 with serine.
Molecular consequence: missense variant. On other transcripts: non-coding transcript variant (4).
Genome position (GRCh38, 1-based): chr19:48,134,005, G>A on the plus strand (C>T on the coding strand, the complement: LIG1 is on the minus strand). VCF-style: chr19-48134005-G-A. GRCh37 (hg19) VCF-style: chr19-48637262-G-A.
Other names: c.1585C>T (NM_000234.1); c.1492C>T, p.Pro498Ser (NM_001289063.2); c.1381C>T, p.Pro461Ser (NM_001289064.2); c.1582C>T, p.Pro528Ser (NM_001320970.2); c.1495C>T, p.Pro499Ser (NM_001320971.2); short protein forms P498S, P529S, P461S, P499S, P528S.
Identifiers: ClinVar variation 1438180 (VCV001438180.6), dbSNP rs762254049, ClinGen allele CA9546779.